The following is an entry in ClinVar:

ClinVar aggregate classification (germline): Benign (1 of 4 stars; one submission).

Allele frequency attached by ClinVar (database versions not stated): gnomAD 0.05038 and 0.04749; 1000 Genomes Project 0.05391; TOPMed 0.05551; 1000 Genomes Project 30x 0.05512.

Submission:

GeneDx
Classification: Benign. Last evaluated: 2018-06-14. Review status: criteria provided, single submitter. Criteria: GeneDx Variant Classification (06012015). Collection method: clinical testing. Allele origin: germline. Affected: yes.
Comment: This variant is considered likely benign or benign based on one or more of the following criteria: it is a conservative change, it occurs at a poorly conserved position in the protein, it is predicted to be benign by multiple in silico algorithms, and/or has population frequency not consistent with disease.

NM_012463.3(ATP6V0A2):c.-400G>C

Gene: ATP6V0A2 (ATPase H+ transporting V0 subunit a2; plus strand). Cytogenetic location: 12q24.31.
Variant type: single nucleotide variant.
Coding change: c.-400G>C on transcript NM_012463.3; 400 bases upstream of the start codon, G replaced by C.
Genome position (GRCh38, 1-based): chr12:123,712,166, G>C. VCF-style: chr12-123712166-G-C. GRCh37 (hg19) VCF-style: chr12-124196713-G-C.
Identifiers: ClinVar variation 669665 (VCV000669665.3), dbSNP rs115017792, ClinGen allele CA245174822.
Genomic context (GRCh38, chr12:123,712,166, plus strand): 5'-CTAGGAACGGGTGAGCTTCGCGGCGTGCACACTCGGCGAGACTCCTCCAGGAAAGCCGGG[G>C]AGCCGCGCGGGATTTAGCTCTGCGTCCAGTCCGGCGGAGCGCCAGCTGCAGTGGTCGTAC-3'